The following is an entry in ClinVar:

ClinVar aggregate classification (germline): Uncertain significance. Review status: criteria provided, multiple submitters, no conflicts (2 of 4 stars). 3 submissions from 3 submitters: Uncertain significance (3). Last evaluated 2024-11-11.

Conditions:
Inborn genetic diseases. Identifiers: MedGen C0950123, MeSH D030342.

Allele frequency attached by ClinVar (database versions not stated): gnomAD 0.00001; ExAC 0.00004; TOPMed 0.00005; gnomAD exomes 0.00001 and 0.00008.
gnomAD v4.1: 22 of 1,613,996 alleles (0.0014%); highest among the groups gnomAD compares: Admixed American, 0.037%; no homozygotes.

Submissions (3):

Labcorp Genetics (formerly Invitae), Labcorp
Classification: Uncertain significance. Last evaluated: 2024-11-11. Review status: criteria provided, single submitter. Criteria: Invitae Variant Classification Sherloc (09022015). Collection method: clinical testing. Allele origin: germline.
Comment: This sequence change replaces alanine, which is neutral and non-polar, with valine, which is neutral and non-polar, at codon 376 of the TUBGCP4 protein (p.Ala376Val). This variant is present in population databases (rs760596308, gnomAD 0.06%). This variant has not been reported in the literature in individuals affected with TUBGCP4-related conditions. ClinVar contains an entry for this variant (Variation ID: 1500175). Invitae Evidence Modeling of protein sequence and biophysical properties (such as structural, functional, and spatial information, amino acid conservation, physicochemical variation, residue mobility, and thermodynamic stability) indicates that this missense variant is not expected to disrupt TUBGCP4 protein function with a negative predictive value of 80%. In summary, the available evidence is currently insufficient to determine the role of this variant in disease. Therefore, it has been classified as a Variant of Uncertain Significance.

Ambry Genetics
Classification: Uncertain significance for Inborn genetic diseases. Last evaluated: 2024-07-14. Review status: criteria provided, single submitter. Criteria: Ambry Variant Classification Scheme 2023. Collection method: clinical testing. Allele origin: germline.

GeneDx
Classification: Uncertain significance. Last evaluated: 2023-07-14. Review status: criteria provided, single submitter. Criteria: GeneDx Variant Classification Process June 2021. Collection method: clinical testing. Allele origin: germline.
Comment: In silico analysis supports that this missense variant does not alter protein structure/function; Has not been previously published as pathogenic or benign to our knowledge

NM_014444.5(TUBGCP4):c.1127C>T (p.Ala376Val)

Gene: TUBGCP4 (tubulin gamma complex component 4; plus strand). Cytogenetic location: 15q15.3.
Variant type: single nucleotide variant.
Coding change: c.1127C>T on transcript NM_014444.5 (MANE Select); coding-DNA position 1127, C replaced by T.
Protein change: p.Ala376Val; replaces alanine 376 with valine.
Molecular consequence: missense variant.
Genome position (GRCh38, 1-based): chr15:43,395,644, C>T. VCF-style: chr15-43395644-C-T. GRCh37 (hg19) VCF-style: chr15-43687842-C-T.
Other names: c.1127C>T (NM_014444.2); c.1127C>T, p.Ala376Val (NM_001286414.3); short protein forms A376V.
Identifiers: ClinVar variation 1500175 (VCV001500175.9), dbSNP rs760596308, ClinGen allele CA7524003.